The following is an entry in ClinVar:

NM_002979.5(SCP2):c.1210A>C (p.Lys404Gln)

Gene: SCP2 (sterol carrier protein 2; plus strand). Cytogenetic location: 1p32.3.
Variant type: single nucleotide variant.
Coding change: c.1210A>C on transcript NM_002979.5 (MANE Select); coding-DNA position 1210, A replaced by C.
Protein change: p.Lys404Gln; replaces lysine 404 with glutamine.
Molecular consequence: missense variant. On other transcripts: 5 prime UTR variant (3).
Genome position (GRCh38, 1-based): chr1:53,015,018, A>C. VCF-style: chr1-53015018-A-C. GRCh37 (hg19) VCF-style: chr1-53480690-A-C.
Other names: c.-3A>C (NM_001007099.3, NM_001007100.3, NM_001007250.3); c.1138A>C, p.Lys380Gln (NM_001193599.2); c.1078A>C, p.Lys360Gln (NM_001193600.2); c.967A>C, p.Lys323Gln (NM_001193617.2); short protein forms K323Q, K360Q, K404Q, K380Q.
Identifiers: ClinVar variation 1508457 (VCV001508457.8), dbSNP rs2150228162, ClinGen allele CA340385992.

ClinVar aggregate classification (germline): Uncertain significance (1 of 4 stars; one submission).

Submission:

Labcorp Genetics (formerly Invitae), Labcorp
Classification: Uncertain significance. Last evaluated: 2024-10-22. Review status: criteria provided, single submitter. Criteria: Invitae Variant Classification Sherloc (09022015). Collection method: clinical testing. Allele origin: germline.
Comment: This sequence change replaces lysine, which is basic and polar, with glutamine, which is neutral and polar, at codon 404 of the SCP2 protein (p.Lys404Gln). This variant is not present in population databases (gnomAD no frequency). This variant has not been reported in the literature in individuals affected with SCP2-related conditions. ClinVar contains an entry for this variant (Variation ID: 1508457). An algorithm developed to predict the effect of missense changes on protein structure and function (PolyPhen-2) suggests that this variant is likely to be tolerated. In summary, the available evidence is currently insufficient to determine the role of this variant in disease. Therefore, it has been classified as a Variant of Uncertain Significance.